The following is an entry in ClinVar:

ClinVar aggregate classification (germline): Uncertain significance. Review status: criteria provided, multiple submitters, no conflicts (2 of 4 stars). 2 submissions from 2 submitters: Uncertain significance (2). Last evaluated 2024-12-13.

Conditions:
Inflammatory bowel disease 28. Also called: Inflammatory bowel disease 28, early onset, autosomal recessive. Identifiers: Orphanet 238569, MedGen C2751053, MONDO:0013153, OMIM 613148.
Inborn genetic diseases. Identifiers: MedGen C0950123, MeSH D030342.

Allele frequency attached by ClinVar (database versions not stated): ExAC 0.00001; TOPMed 0.00001; gnomAD exomes 0.00002.

Submissions (2):

Ambry Genetics
Classification: Uncertain significance for Inborn genetic diseases. Last evaluated: 2024-12-13. Review status: criteria provided, single submitter. Criteria: Ambry Variant Classification Scheme 2023. Collection method: clinical testing. Allele origin: germline.

Labcorp Genetics (formerly Invitae), Labcorp
Classification: Uncertain significance for Inflammatory bowel disease 28. Last evaluated: 2024-10-25. Review status: criteria provided, single submitter. Criteria: Invitae Variant Classification Sherloc (09022015). Collection method: clinical testing. Allele origin: germline.
Comment: This sequence change replaces valine, which is neutral and non-polar, with methionine, which is neutral and non-polar, at codon 441 of the IL10RA protein (p.Val441Met). This variant is present in population databases (rs748235778, gnomAD 0.006%). This variant has not been reported in the literature in individuals affected with IL10RA-related conditions. ClinVar contains an entry for this variant (Variation ID: 1060615). Invitae Evidence Modeling of protein sequence and biophysical properties (such as structural, functional, and spatial information, amino acid conservation, physicochemical variation, residue mobility, and thermodynamic stability) indicates that this missense variant is not expected to disrupt IL10RA protein function with a negative predictive value of 80%. In summary, the available evidence is currently insufficient to determine the role of this variant in disease. Therefore, it has been classified as a Variant of Uncertain Significance.

NM_001558.4(IL10RA):c.1321G>A (p.Val441Met)

Gene: IL10RA (interleukin 10 receptor subunit alpha; plus strand). Cytogenetic location: 11q23.3.
Variant type: single nucleotide variant.
Coding change: c.1321G>A on transcript NM_001558.4 (MANE Select); coding-DNA position 1321, G replaced by A.
Protein change: p.Val441Met; replaces valine 441 with methionine.
Molecular consequence: missense variant. On other transcripts: non-coding transcript variant (1).
Genome position (GRCh38, 1-based): chr11:117,999,225, G>A. VCF-style: chr11-117999225-G-A. GRCh37 (hg19) VCF-style: chr11-117869940-G-A.
Other names: c.1321G>A (NM_001558.3); short protein forms V441M.
Identifiers: ClinVar variation 1060615 (VCV001060615.10), dbSNP rs748235778, ClinGen allele CA6299170.